The following is an entry in ClinVar:

NM_001272071.2(AP1S2):c.436-5C>T

Gene: AP1S2 (adaptor related protein complex 1 subunit sigma 2; minus strand). Cytogenetic location: Xp22.2.
Variant type: single nucleotide variant.
Coding change: c.436-5C>T on transcript NM_001272071.2 (MANE Select); 5 bases into the intron before coding-DNA position 436, C replaced by T.
Molecular consequence: intron variant.
Genome position (GRCh38, 1-based): chrX:15,827,377, G>A on the plus strand (C>T on the coding strand, the complement: AP1S2 is on the minus strand). VCF-style: chrX-15827377-G-A. GRCh37 (hg19) VCF-style: chrX-15845500-G-A.
Other names: c.427-5C>T (NM_003916.5).
Identifiers: ClinVar variation 512230 (VCV000512230.2), dbSNP rs1555902009, ClinGen allele CA658799584.
Genomic context (GRCh38, chrX:15,827,377, plus strand): 5'-GAGGAGAGTTATGTCAGTCCAATTTCTTCAAGAACACTACGTGGGGTTTCAGCTTCCTGT[G>A]GAGGGAAAATGTGAGACTCTGGTAAGCAGATCCAGGGAGTCTTGAGAATGTGAAACATTG-3'

ClinVar aggregate classification (germline): Likely benign. Review status: criteria provided, multiple submitters, no conflicts (2 of 4 stars). 2 submissions from 2 submitters: Likely benign (2). Last evaluated 2026-01-06.

Allele frequency attached by ClinVar (database versions not stated): gnomAD exomes below 0.00001; TOPMed 0.00001.
gnomAD v4.1: 3 of 1,202,524 alleles (0.00025%); highest among the groups gnomAD compares: Non-Finnish European, 0.00023%; no homozygotes.

Submissions (2):

Women's Health and Genetics/Laboratory Corporation of America, LabCorp
Classification: Likely benign. Last evaluated: 2026-01-06. Review status: criteria provided, single submitter. Criteria: LabCorp Variant Classification Summary - May 2015. Collection method: clinical testing. Allele origin: germline.

GeneDx
Classification: Likely benign. Last evaluated: 2017-09-29. Review status: criteria provided, single submitter. Criteria: GeneDx Variant Classification (06012015). Collection method: clinical testing. Allele origin: germline. Affected: yes.
Comment: This variant is considered likely benign or benign based on one or more of the following criteria: it is a conservative change, it occurs at a poorly conserved position in the protein, it is predicted to be benign by multiple in silico algorithms, and/or has population frequency not consistent with disease.